The following is an entry in ClinVar:

NM_001289808.2(CRYAB):c.32_33del (p.Arg11fs)

Gene: CRYAB (crystallin alpha B; minus strand). Cytogenetic location: 11q23.1.
Variant type: Deletion.
Coding change: c.32_33del on transcript NM_001289808.2 (MANE Select); coding-DNA positions 32 to 33, 2 bases deleted (GC; older notation c.32_33delGC).
Protein change: p.Arg11fs; shifts the reading frame from arginine 11.
Molecular consequence: frameshift variant.
Genome position (GRCh38, 1-based): chr11:111,911,692-111,911,693, GC deleted on the plus strand (GC on the coding strand, the reverse complement: CRYAB is on the minus strand); deleting any 2 consecutive bases within chr11:111,911,692-111,911,694 gives the same sequence; the c. name uses the placement nearest the transcript's 3' end. VCF-style (leftmost placement, unchanged base first): chr11-111911691-GGC-G. GRCh37 (hg19) VCF-style: chr11-111782415-GGC-G.
Other names: c.32_33del, p.Arg11fs (NM_001289807.1, NM_001368245.1, NM_001885.3); short protein forms R11fs.
Identifiers: ClinVar variation 4721629 (VCV004721629.1).

ClinVar aggregate classification (germline): Pathogenic (1 of 4 stars; one submission).

Conditions:
Dilated cardiomyopathy 1II (CMD1II). Identifiers: Orphanet 154, MedGen C3554649, MONDO:0014073, OMIM 615184.

Submission:

Labcorp Genetics (formerly Invitae), Labcorp
Classification: Pathogenic for Dilated cardiomyopathy 1II. Last evaluated: 2025-10-05. Review status: criteria provided, single submitter. Criteria: Invitae Variant Classification Sherloc (09022015). Collection method: clinical testing. Allele origin: germline.
Comment: This sequence change creates a premature translational stop signal (p.Arg11Profs*14) in the CRYAB gene. It is expected to result in an absent or disrupted protein product. Loss-of-function variants in CRYAB are known to be pathogenic (PMID: 21337604). This variant is not present in population databases (gnomAD no frequency). This variant has not been reported in the literature in individuals affected with CRYAB-related conditions. Algorithms developed to predict the effect of sequence changes on RNA splicing suggest that this variant may create or strengthen a splice site. For these reasons, this variant has been classified as Pathogenic.

Literature cited by the submitters: PubMed 21337604.